The following is an entry in ClinVar:

ClinVar aggregate classification (germline): Uncertain significance. Review status: criteria provided, multiple submitters, no conflicts (2 of 4 stars). 2 submissions from 2 submitters: Uncertain significance (2). Last evaluated 2025-10-15.

Conditions:
Hereditary cancer-predisposing syndrome. Also called: Hereditary Cancer Syndrome; Neoplastic Syndromes, Hereditary; Hereditary neoplastic syndrome; Tumor predisposition. Identifiers: Orphanet 140162, MedGen C0027672, MeSH D009386, MONDO:0015356.

Submissions (2):

Ambry Genetics
Classification: Uncertain significance for Hereditary cancer-predisposing syndrome. Last evaluated: 2025-10-15. Review status: criteria provided, single submitter. Criteria: Ambry Variant Classification Scheme 2023. Collection method: clinical testing. Allele origin: germline.
Comment: The p.A128P variant (also known as c.382G>C), located in coding exon 3 of the CTNNA1 gene, results from a G to C substitution at nucleotide position 382. The alanine at codon 128 is replaced by proline, an amino acid with highly similar properties. This amino acid position is conserved. In addition, this alteration is predicted to be deleterious by in silico analysis. Based on the available evidence, the clinical significance of this variant remains unclear.

Labcorp Genetics (formerly Invitae), Labcorp
Classification: Uncertain significance. Last evaluated: 2023-07-13. Review status: criteria provided, single submitter. Criteria: Invitae Variant Classification Sherloc (09022015). Collection method: clinical testing. Allele origin: germline.
Comment: This variant is not present in population databases (gnomAD no frequency). This sequence change replaces alanine, which is neutral and non-polar, with proline, which is neutral and non-polar, at codon 128 of the CTNNA1 protein (p.Ala128Pro). In summary, the available evidence is currently insufficient to determine the role of this variant in disease. Therefore, it has been classified as a Variant of Uncertain Significance. Advanced modeling of protein sequence and biophysical properties (such as structural, functional, and spatial information, amino acid conservation, physicochemical variation, residue mobility, and thermodynamic stability) performed at Invitae indicates that this missense variant is expected to disrupt CTNNA1 protein function. This variant has not been reported in the literature in individuals affected with CTNNA1-related conditions.

NM_001903.5(CTNNA1):c.382G>C (p.Ala128Pro)

Gene: CTNNA1 (catenin alpha 1; plus strand). Cytogenetic location: 5q31.2.
Variant type: single nucleotide variant.
Coding change: c.382G>C on transcript NM_001903.5 (MANE Select); coding-DNA position 382, G replaced by C.
Protein change: p.Ala128Pro; replaces alanine 128 with proline.
Molecular consequence: missense variant.
Genome position (GRCh38, 1-based): chr5:138,810,118, G>C. VCF-style: chr5-138810118-G-C. GRCh37 (hg19) VCF-style: chr5-138145807-G-C.
Other names: c.382G>C, p.Ala128Pro (NM_001290307.3, NM_001323982.2, NM_001323983.1 and 3 more transcripts); c.73G>C, p.Ala25Pro (NM_001290309.3); c.13G>C, p.Ala5Pro (NM_001290310.3); c.382G>C (NM_001903.2); short protein forms A128P, A5P, A25P.
Identifiers: ClinVar variation 2742838 (VCV002742838.4), dbSNP rs2149727221, ClinGen allele CA361123130.